The following is an entry in ClinVar:

NM_006073.4(TRDN):c.1460T>G (p.Leu487Arg)

Gene: TRDN (triadin; minus strand). Cytogenetic location: 6q22.31.
Variant type: single nucleotide variant.
Coding change: c.1460T>G on transcript NM_006073.4 (MANE Select); coding-DNA position 1460, T replaced by G.
Protein change: p.Leu487Arg; replaces leucine 487 with arginine.
Molecular consequence: missense variant.
Genome position (GRCh38, 1-based): chr6:123,331,890, A>C on the plus strand (T>G on the coding strand, the complement: TRDN is on the minus strand). VCF-style: chr6-123331890-A-C. GRCh37 (hg19) VCF-style: chr6-123653035-A-C.
Other names: short protein forms L487R.
Identifiers: ClinVar variation 3328567 (VCV003328567.1).

ClinVar aggregate classification (germline): Uncertain significance (1 of 4 stars; one submission).

Conditions:
Cardiovascular phenotype. Identifiers: MedGen CN230736.

gnomAD v4.1: 1 of 1,545,128 alleles (0.000065%); highest among the groups gnomAD compares: Middle Eastern, 0.017%; no homozygotes.

Submission:

Ambry Genetics
Classification: Uncertain significance for Cardiovascular phenotype. Last evaluated: 2024-04-28. Review status: criteria provided, single submitter. Criteria: Ambry Variant Classification Scheme 2023. Collection method: clinical testing. Allele origin: germline.
Comment: The p.L487R variant (also known as c.1460T>G), located in coding exon 23 of the TRDN gene, results from a T to G substitution at nucleotide position 1460. The leucine at codon 487 is replaced by arginine, an amino acid with dissimilar properties. This amino acid position is conserved. In addition, this alteration is predicted to be tolerated by in silico analysis. Based on the available evidence, the clinical significance of this variant remains unclear.